The following is an entry in ClinVar:

ClinVar aggregate classification (germline): Benign/Likely benign. Review status: criteria provided, multiple submitters, no conflicts (2 of 4 stars). 4 submissions from 4 submitters: Benign (2); Likely benign (1). 1 of the submissions does not count toward it. Last evaluated 2022-07-01.

Conditions:
P2RX5-related disorder. Also called: P2RX5-related condition.

Allele frequency attached by ClinVar (database versions not stated): 1000 Genomes Project 30x 0.00219; 1000 Genomes Project 0.00260; ExAC 0.00433; gnomAD exomes 0.00469 and 0.00622; gnomAD 0.00471 and 0.00474; TOPMed 0.00473; ESP Exome Variant Server 0.00515.
gnomAD v4.1: 9,803 of 1,605,840 alleles (0.61%); highest among the groups gnomAD compares: Middle Eastern, 1.4%; 40 homozygotes.

Submissions (4):

CeGaT Center for Human Genetics Tuebingen
Classification: Likely benign. Last evaluated: 2022-07-01. Review status: criteria provided, single submitter. Criteria: CeGaT Center For Human Genetics Tuebingen Variant Classification Criteria Version 2. Collection method: clinical testing. Allele origin: germline. Affected: yes. Observed: 1 variant allele.
Comment: P2RX5: BP4, BS2

GeneDx
Classification: Benign. Last evaluated: 2015-03-03. Review status: criteria provided, single submitter. Criteria: GeneDx Variant Classification Process June 2021. Collection method: clinical testing. Allele origin: germline. Affected: yes.

Breakthrough Genomics
Classification: Benign. Review status: criteria provided, single submitter. Criteria: ACMG Guidelines, 2015. Collection method: not provided. Allele origin: germline. Inheritance: Unknown mechanism. Affected: yes.

PreventionGenetics, part of Exact Sciences
Classification: Benign for P2RX5-related condition. Last evaluated: 2020-04-29. Review status: no assertion criteria provided. Collection method: clinical testing. Allele origin: germline. Not counted in ClinVar's aggregate classification.
Comment: This variant is classified as benign based on ACMG/AMP sequence variant interpretation guidelines (Richards et al. 2015 PMID: 25741868, with internal and published modifications).

NM_002561.4(P2RX5):c.1259+6G>A

Genes: P2RX5 (purinergic receptor P2X 5; minus strand), P2RX5-TAX1BP3 (P2RX5-TAX1BP3 readthrough (NMD candidate); minus strand). Cytogenetic location: 17p13.2.
Variant type: single nucleotide variant.
Coding change: c.1259+6G>A on transcript NM_002561.4 (MANE Select); 6 bases into the intron after coding-DNA position 1259, G replaced by A.
Molecular consequence: intron variant.
Genome position (GRCh38, 1-based): chr17:3,679,584, C>T on the plus strand (G>A on the coding strand, the complement: P2RX5 is on the minus strand). VCF-style: chr17-3679584-C-T. GRCh37 (hg19) VCF-style: chr17-3582878-C-T.
Other names: c.1259+6G>A (NM_002561.3); c.1184+6G>A (NM_175080.3); c.1187+6G>A (NM_001204520.2); c.1256+6G>A (NM_001204519.2).
Identifiers: ClinVar variation 1242253 (VCV001242253.28), dbSNP rs185353702, ClinGen allele CA8292398.